The following is an entry in ClinVar:

ClinVar aggregate classification (germline): Uncertain significance. Review status: criteria provided, single submitter (1 of 4 stars). 2 submissions from 2 submitters: Uncertain significance (1). 1 of the submissions does not count toward it. Last evaluated 2024-05-28.

Conditions:
Polycystic kidney disease. Also called: Polycystic kidney dysplasia; Kidney, Polycystic. Identifiers: MedGen C0022680, MeSH D007690, MONDO:0020642, HP:0000113.

Allele frequency attached by ClinVar (database versions not stated): ExAC 0.00002.
gnomAD v4.1: 6 of 1,596,502 alleles (0.00038%); highest among the groups gnomAD compares: Admixed American, 0.0033%; no homozygotes.

Submissions (2):

GeneDx
Classification: Uncertain significance. Last evaluated: 2024-05-28. Review status: criteria provided, single submitter. Criteria: GeneDx Variant Classification Process June 2021. Collection method: clinical testing. Allele origin: germline. Affected: yes.
Comment: In silico analysis indicates that this missense variant does not alter protein structure/function; Has not been previously published as pathogenic or benign to our knowledge

Department of Pathology and Laboratory Medicine, Sinai Health System
Classification: Uncertain significance for Polycystic Kidney disease. Review status: no assertion criteria provided. Collection method: clinical testing. Allele origin: unknown. Affected: yes. Study: The Canadian Open Genetics Repository (COGR). Not counted in ClinVar's aggregate classification.
Comment: The PKD1 p.Glu2610Lys variant was not identified in the literature nor was it identified in the ClinVar, COGR, LOVD 3.0, ADPKD Mutation Database, or the PKD1-LOVD database. The variant was identified in dbSNP (ID: rs774694720). The variant was identified in control databases in 4 of 228606 chromosomes at a frequency of 0.00002 (Genome Aggregation Database Feb 27, 2017). The variant was observed in the following populations: Latino in 3 of 33362 chromosomes (freq: 0.00009), European in 1 of 106436 chromosomes (freq: 0.000009); it was not observed in the African, Other, Ashkenazi Jewish, East Asian, Finnish, and South Asian populations. The p.Glu2610 residue is conserved in mammals and computational analyses (PolyPhen-2, SIFT, AlignGVGD, BLOSUM, MutationTaster) provide inconsistent predictions regarding the impact to the protein; this information is not very predictive of pathogenicity. The variant occurs outside of the splicing consensus sequence and in silico or computational prediction software programs (SpliceSiteFinder, MaxEntScan, NNSPLICE, GeneSplicer) do not predict a difference in splicing. In summary, based on the above information the clinical significance of this variant cannot be determined with certainty at this time. This variant is classified as a variant of uncertain significance. Assessment Date:

NM_001009944.3(PKD1):c.7828G>A (p.Glu2610Lys)

Gene: PKD1 (polycystin 1, transient receptor potential channel interacting; minus strand). Cytogenetic location: 16p13.3.
Variant type: single nucleotide variant.
Coding change: c.7828G>A on transcript NM_001009944.3 (MANE Select); coding-DNA position 7828, G replaced by A.
Protein change: p.Glu2610Lys; replaces glutamic acid 2610 with lysine.
Molecular consequence: missense variant.
Genome position (GRCh38, 1-based): chr16:2,105,900, C>T on the plus strand (G>A on the coding strand, the complement: PKD1 is on the minus strand). VCF-style: chr16-2105900-C-T. GRCh37 (hg19) VCF-style: chr16-2155901-C-T.
Other names: c.7828G>A (NM_001009944.2); c.7828G>A, p.Glu2610Lys (NM_000296.4); short protein forms E2610K.
Identifiers: ClinVar variation 997150 (VCV000997150.2), dbSNP rs774694720, ClinGen allele CA7830893.
Genomic context (GRCh38, chr16:2,105,900, plus strand): 5'-ACGTCCCCTCCCAGGCTGCACTCACCTCGTTCAGCACGGTGACCAGGGCCAACGAGTACT[C>T]GATGACGTGCTGGGGATCGGCCTGCCGCAGCAGCCCTGGGAGCACACTAGCGGTGAGCCC-3'
Protein context (NP_001009944.3, residues 2600-2620): LRQADPQHVI[Glu2610Lys]YSLALVTVLN